The following is an entry in ClinVar:

ClinVar aggregate classification (germline): Uncertain significance. Review status: criteria provided, multiple submitters, no conflicts (2 of 4 stars). 3 submissions from 3 submitters: Uncertain significance (3). Last evaluated 2021-11-15.

Conditions:
X-linked distal spinal muscular atrophy type 3. Also called: SPINAL MUSCULAR ATROPHY, DISTAL, X-LINKED RECESSIVE; NEURONOPATHY, DISTAL HEREDITARY MOTOR, X-LINKED; NEUROPATHY, DISTAL HEREDITARY MOTOR, X-LINKED; ATP7A-Related Distal Motor Neuropathy. Identifiers: Orphanet 139557, MedGen C1845359, MONDO:0010338, OMIM 300489.
Menkes kinky-hair syndrome (MNK). Also called: Classic Menkes Disease; Menkes Disease; Copper transport disease. Identifiers: Orphanet 565, MedGen C0022716, MONDO:0010651, OMIM 309400.
Cutis laxa, X-linked (OHS). Also called: EDS IX; Occipital horn syndrome. Identifiers: Orphanet 198, MedGen C0268353, MONDO:0010572, OMIM 304150.
Inborn genetic diseases. Identifiers: MedGen C0950123, MeSH D030342.

Submissions (3):

Ambry Genetics
Classification: Uncertain significance for Inborn genetic diseases. Last evaluated: 2021-11-15. Review status: criteria provided, single submitter. Criteria: Ambry Variant Classification Scheme 2023. Collection method: clinical testing. Allele origin: germline.

Labcorp Genetics (formerly Invitae), Labcorp
Classification: Uncertain significance for X-linked distal spinal muscular atrophy type 3; Cutis laxa, X-linked; Menkes kinky-hair syndrome. Last evaluated: 2021-08-28. Review status: criteria provided, single submitter. Criteria: Invitae Variant Classification Sherloc (09022015). Collection method: clinical testing. Allele origin: germline.
Comment: This sequence change replaces threonine with isoleucine at codon 1271 of the ATP7A protein (p.Thr1271Ile). The threonine residue is moderately conserved and there is a moderate physicochemical difference between threonine and isoleucine. This variant is not present in population databases (ExAC no frequency). This variant has not been reported in the literature in individuals affected with ATP7A-related conditions. Advanced modeling of protein sequence and biophysical properties (such as structural, functional, and spatial information, amino acid conservation, physicochemical variation, residue mobility, and thermodynamic stability) performed at Invitae indicates that this missense variant is not expected to disrupt ATP7A protein function. In summary, the available evidence is currently insufficient to determine the role of this variant in disease. Therefore, it has been classified as a Variant of Uncertain Significance.

Mayo Clinic Laboratories, Mayo Clinic
Classification: Uncertain significance. Last evaluated: 2020-07-30. Review status: criteria provided, single submitter. Criteria: ACMG Guidelines, 2015. Collection method: clinical testing. Allele origin: germline. Observed: 1 variant allele.

NM_000052.7(ATP7A):c.3812C>T (p.Thr1271Ile)

Gene: ATP7A (ATPase copper transporting alpha; plus strand). Cytogenetic location: Xq21.1.
Variant type: single nucleotide variant.
Coding change: c.3812C>T on transcript NM_000052.7 (MANE Select); coding-DNA position 3812, C replaced by T.
Protein change: p.Thr1271Ile; replaces threonine 1271 with isoleucine.
Molecular consequence: missense variant. On other transcripts: non-coding transcript variant (1).
Genome position (GRCh38, 1-based): chrX:78,042,595, C>T. VCF-style: chrX-78042595-C-T. GRCh37 (hg19) VCF-style: chrX-77298093-C-T.
Other names: c.3812C>T (NM_000052.4); c.3578C>T, p.Thr1193Ile (NM_001282224.2); short protein forms T1193I, T1271I.
Identifiers: ClinVar variation 1000979 (VCV001000979.11), dbSNP rs932523090, ClinGen allele CA331108933.